The following is an entry in ClinVar:

ClinVar aggregate classification (germline): Uncertain significance (1 of 4 stars; one submission).

Conditions:
Cardiovascular phenotype. Identifiers: MedGen CN230736.

Submission:

Ambry Genetics
Classification: Uncertain significance for Cardiovascular phenotype. Last evaluated: 2020-07-16. Review status: criteria provided, single submitter. Criteria: Ambry Variant Classification Scheme 2023. Collection method: clinical testing. Allele origin: germline.
Comment: The p.L5702P variant (also known as c.17105T>C), located in coding exon 67 of the TTN gene, results from a T to C substitution at nucleotide position 17105. The leucine at codon 5702 is replaced by proline, an amino acid with similar properties. This amino acid position is well conserved in available vertebrate species. In addition, this alteration is predicted to be tolerated by in silico analysis. Since supporting evidence is limited at this time, the clinical significance of this alteration remains unclear.

NM_001267550.2(TTN):c.44300T>C (p.Leu14767Pro)

Gene: TTN (titin; minus strand). Cytogenetic location: 2q31.2.
Variant type: single nucleotide variant.
Coding change: c.44300T>C on transcript NM_001267550.2 (MANE Select); coding-DNA position 44300, T replaced by C.
Protein change: p.Leu14767Pro; replaces leucine 14767 with proline.
Molecular consequence: missense variant.
Genome position (GRCh38, 1-based): chr2:178,629,425, A>G on the plus strand (T>C on the coding strand, the complement: TTN is on the minus strand). VCF-style: chr2-178629425-A-G. GRCh37 (hg19) VCF-style: chr2-179494152-A-G.
Other names: c.39377T>C, p.Leu13126Pro (NM_001256850.1); c.17105T>C, p.Leu5702Pro (NM_003319.4); c.36596T>C, p.Leu12199Pro (NM_133378.4); c.17480T>C, p.Leu5827Pro (NM_133432.3); c.17681T>C, p.Leu5894Pro (NM_133437.4); short protein forms L5894P, L5827P, L13126P, L14767P, L12199P, L5702P.
Identifiers: ClinVar variation 1778544 (VCV001778544.2), dbSNP rs2471337983, ClinGen allele CA349643606.